The following is an entry in ClinVar:

ClinVar aggregate classification (germline): Pathogenic (1 of 4 stars; one submission).

Conditions:
Transcobalamin II deficiency (TCN2D). Also called: Transcolabamin II deficiency; TC II DEFICIENCY; TCN2 DEFICIENCY. Identifiers: Orphanet 859, MedGen C0342701, MONDO:0010149, OMIM 275350.

Submission:

Labcorp Genetics (formerly Invitae), Labcorp
Classification: Pathogenic for Transcobalamin II deficiency. Last evaluated: 2023-12-11. Review status: criteria provided, single submitter. Criteria: Invitae Variant Classification Sherloc (09022015). Collection method: clinical testing. Allele origin: germline.
Comment: This sequence change creates a premature translational stop signal (p.Cys165Serfs*8) in the TCN2 gene. It is expected to result in an absent or disrupted protein product. Loss-of-function variants in TCN2 are known to be pathogenic (PMID: 7980584, 20352340). This variant is not present in population databases (gnomAD no frequency). This variant has not been reported in the literature in individuals affected with TCN2-related conditions. For these reasons, this variant has been classified as Pathogenic.

Literature cited by the submitters: PubMed 7980584; PubMed 20352340.

NM_000355.4(TCN2):c.494_495del (p.Cys165fs)

Gene: TCN2 (transcobalamin 2; plus strand). Cytogenetic location: 22q12.2.
Variant type: Microsatellite.
Coding change: c.494_495del on transcript NM_000355.4 (MANE Select); coding-DNA positions 494 to 495, 2 bases deleted (GT; older notation c.494_495delGT).
Protein change: p.Cys165fs; shifts the reading frame from cysteine 165.
Molecular consequence: frameshift variant.
Genome position (GRCh38, 1-based): chr22:30,614,415-30,614,416, GT deleted; deleting any 2 consecutive bases within chr22:30,614,412-30,614,416 gives the same sequence; the c. name uses the placement nearest the transcript's 3' end. VCF-style (leftmost placement, unchanged base first): chr22-30614411-CTG-C. GRCh37 (hg19) VCF-style: chr22-31010398-CTG-C.
Other names: c.413_414del, p.Cys138fs (NM_001184726.2); short protein forms C165fs, C138fs.
Identifiers: ClinVar variation 2699714 (VCV002699714.3), dbSNP rs2517906638, ClinGen allele CA2697552685.